The following is an entry in ClinVar:

NM_000553.6(WRN):c.2705A>G (p.Tyr902Cys)

Gene: WRN (WRN RecQ like helicase; plus strand). Cytogenetic location: 8p12.
Variant type: single nucleotide variant.
Coding change: c.2705A>G on transcript NM_000553.6 (MANE Select); coding-DNA position 2705, A replaced by G.
Protein change: p.Tyr902Cys; replaces tyrosine 902 with cysteine.
Molecular consequence: missense variant.
Genome position (GRCh38, 1-based): chr8:31,124,596, A>G. VCF-style: chr8-31124596-A-G. GRCh37 (hg19) VCF-style: chr8-30982112-A-G.
Other names: short protein forms Y902C.
Identifiers: ClinVar variation 1010557 (VCV001010557.5), dbSNP rs1341524063, ClinGen allele CA370916995.

ClinVar aggregate classification (germline): Uncertain significance (1 of 4 stars; one submission).

Conditions:
Werner syndrome (WRN). Identifiers: Orphanet 902, MedGen C0043119, MONDO:0010196, OMIM 277700.

gnomAD v4.1: 4 of 1,612,442 alleles (0.00025%); highest among the groups gnomAD compares: South Asian, 0.0022%; no homozygotes.

Submission:

Labcorp Genetics (formerly Invitae), Labcorp
Classification: Uncertain significance for Werner syndrome. Last evaluated: 2022-04-26. Review status: criteria provided, single submitter. Criteria: Invitae Variant Classification Sherloc (09022015). Collection method: clinical testing. Allele origin: germline.
Comment: In summary, the available evidence is currently insufficient to determine the role of this variant in disease. Therefore, it has been classified as a Variant of Uncertain Significance. Algorithms developed to predict the effect of missense changes on protein structure and function are either unavailable or do not agree on the potential impact of this missense change (SIFT: "Not Available"; PolyPhen-2: "Probably Damaging"; Align-GVGD: "Not Available"). ClinVar contains an entry for this variant (Variation ID: 1010557). This variant has not been reported in the literature in individuals affected with WRN-related conditions. This variant is not present in population databases (gnomAD no frequency). This sequence change replaces tyrosine, which is neutral and polar, with cysteine, which is neutral and slightly polar, at codon 902 of the WRN protein (p.Tyr902Cys).